The following is an entry in ClinVar:

ClinVar aggregate classification (germline): Pathogenic (1 of 4 stars; one submission).

Conditions:
Developmental and epileptic encephalopathy, 8 (DEE8). Also called: HYPEREKPLEXIA AND EPILEPSY. Identifiers: Orphanet 163985, Orphanet 2076, MedGen C1845102, MONDO:0010375, OMIM 300607.

Submissions (2):

Labcorp Genetics (formerly Invitae), Labcorp
Classification: Pathogenic for Developmental and epileptic encephalopathy, 8. Last evaluated: 2020-01-21. Review status: criteria provided, single submitter. Criteria: Invitae Variant Classification Sherloc (09022015). Collection method: clinical testing. Allele origin: germline.
Comment: This sequence change creates a premature translational stop signal (p.Gln301*) in the ARHGEF9 gene. It is expected to result in an absent or disrupted protein product. This variant is not present in population databases (ExAC no frequency). This variant has not been reported in the literature in individuals with ARHGEF9-related disease. Algorithms developed to predict the effect of sequence changes on RNA splicing suggest that this variant may create or strengthen a splice site, but this prediction has not been confirmed by published transcriptional studies. Loss-of-function variants in ARHGEF9 are known to be pathogenic (PMID: 25678704, 26834553, 28589176). For these reasons, this variant has been classified as Pathogenic.

Dr. Peter K. Rogan Lab, Western University
No classification provided (evidence only). Condition: Thyroid cancer, nonmedullary, 1. Review status: no classification provided. Collection method: in vitro. Allele origin: not applicable. Functional consequence: retained intron. Not counted in ClinVar's aggregate classification.

Literature cited by the submitters: PubMed 25678704 (cited by Labcorp Genetics (formerly Invitae), Labcorp); PubMed 26834553 (cited by Labcorp Genetics (formerly Invitae), Labcorp); PubMed 28589176 (cited by Labcorp Genetics (formerly Invitae), Labcorp).

NM_001353921.2(ARHGEF9):c.922C>T (p.Gln308Ter)

Gene: ARHGEF9 (Cdc42 guanine nucleotide exchange factor 9; minus strand). Cytogenetic location: Xq11.1.
Variant type: single nucleotide variant.
Coding change: c.922C>T on transcript NM_001353921.2 (MANE Select); coding-DNA position 922, C replaced by T.
Protein change: p.Gln308Ter; replaces glutamine 308 with a stop codon.
Molecular consequence: nonsense.
Genome position (GRCh38, 1-based): chrX:63,674,061, G>A on the plus strand (C>T on the coding strand, the complement: ARHGEF9 is on the minus strand). VCF-style: chrX-63674061-G-A. GRCh37 (hg19) VCF-style: chrX-62893941-G-A.
Other names: c.742C>T, p.Gln248Ter (NM_001173479.2); c.595C>T, p.Gln199Ter (NM_001173480.2, NM_001369042.1); c.838C>T, p.Gln280Ter (NM_001330495.2, NM_001353927.2, NM_001369033.1 and 8 more transcripts); c.922C>T, p.Gln308Ter (NM_001353922.2); c.940C>T, p.Gln314Ter (NM_001353923.1); c.721C>T, p.Gln241Ter (NM_001353924.2, NM_001353926.2, NM_001369039.1 and 1 more transcripts); c.901C>T, p.Gln301Ter (NM_001353928.2, NM_001369030.1, NM_001369031.1 and 2 more transcripts); c.487C>T, p.Gln163Ter (NM_001369045.1); short protein forms Q301*, Q248*, Q308*, Q163*, Q241*, Q280*, Q199*, Q314*.
Identifiers: ClinVar variation 568396 (VCV000568396.3), dbSNP rs1569458475, ClinGen allele CA413405953.